The following is an entry in ClinVar:

ClinVar aggregate classification (germline): Uncertain significance (1 of 4 stars; one submission).

Conditions:
Hermansky-Pudlak syndrome 9 (HPS9). Identifiers: Orphanet 280663, Orphanet 79430, MedGen C3280026, MONDO:0013606, OMIM 614171.

Allele frequency attached by ClinVar (database versions not stated): gnomAD exomes below 0.00001 and 0.00003; TOPMed 0.00005; gnomAD 0.00007 and 0.00008; ExAC 0.00012.

Submission:

Labcorp Genetics (formerly Invitae), Labcorp
Classification: Uncertain significance for Hermansky-Pudlak syndrome 9. Last evaluated: 2022-06-27. Review status: criteria provided, single submitter. Criteria: Invitae Variant Classification Sherloc (09022015). Collection method: clinical testing. Allele origin: germline.
Comment: This sequence change falls in intron 1 of the BLOC1S6 gene. It does not directly change the encoded amino acid sequence of the BLOC1S6 protein. It affects a nucleotide within the consensus splice site. This variant is present in population databases (rs779246428, gnomAD 0.03%). This variant has not been reported in the literature in individuals affected with BLOC1S6-related conditions. ClinVar contains an entry for this variant (Variation ID: 971290). Variants that disrupt the consensus splice site are a relatively common cause of aberrant splicing (PMID: 17576681, 9536098). Algorithms developed to predict the effect of sequence changes on RNA splicing suggest that this variant may create or strengthen a splice site. In summary, the available evidence is currently insufficient to determine the role of this variant in disease. Therefore, it has been classified as a Variant of Uncertain Significance.

Literature cited by the submitters: PubMed 17576681; PubMed 9536098.

NM_012388.4(BLOC1S6):c.82+6del

Gene: BLOC1S6 (biogenesis of lysosomal organelles complex 1 subunit 6; plus strand). Cytogenetic location: 15q21.1.
Variant type: Deletion.
Coding change: c.82+6del on transcript NM_012388.4 (MANE Select); 6 bases into the intron after coding-DNA position 82, one base deleted (T; older notation c.82+6delT).
Molecular consequence: intron variant.
Genome position (GRCh38, 1-based): chr15:45,587,531, T deleted. VCF-style (leftmost placement, unchanged base first): chr15-45587530-GT-G. GRCh37 (hg19) VCF-style: chr15-45879728-GT-G.
Identifiers: ClinVar variation 971290 (VCV000971290.7), dbSNP rs779246428, ClinGen allele CA7544230.